The following is an entry in ClinVar:

ClinVar aggregate classification (germline): Uncertain significance (1 of 4 stars; one submission).

Conditions:
Early-infantile DEE. Also called: Ohtahara syndrome; Early infantile epileptic encephalopathy with suppression bursts; Early infantile epileptic encephalopathy. Identifiers: Orphanet 1934, MedGen C0393706, MONDO:0800491.

gnomAD v4.1: 1 of 151,520 alleles (0.00066%); no homozygotes.

Submission:

Labcorp Genetics (formerly Invitae), Labcorp
Classification: Uncertain significance for Early-infantile DEE. Last evaluated: 2024-10-16. Review status: criteria provided, single submitter. Criteria: Invitae Variant Classification Sherloc (09022015). Collection method: clinical testing. Allele origin: germline.
Comment: This sequence change falls in intron 20 of the SCN1A gene. It does not directly change the encoded amino acid sequence of the SCN1A protein. However, this sequence change falls within a region encompassing a cryptic exon in the SCN1A gene, in which variants have been shown to alter splicing (PMID: 30526861, 34107977). This variant is not present in population databases (gnomAD no frequency). This variant has not been reported in the literature in individuals affected with SCN1A-related conditions. Algorithms developed to predict the effect of sequence changes on RNA splicing suggest that this variant is not likely to affect RNA splicing. In summary, the available evidence is currently insufficient to determine the role of this variant in disease. Therefore, it has been classified as a Variant of Uncertain Significance.

Literature cited by the submitters: PubMed 30526861; PubMed 34107977.

NM_001165963.4(SCN1A):c.4002+2052A>C

Genes: SCN1A (sodium voltage-gated channel alpha subunit 1; minus strand), LOC102724058 (uncharacterized LOC102724058; plus strand). Cytogenetic location: 2q24.3.
Variant type: single nucleotide variant.
Coding change: c.4002+2052A>C on transcript NM_001165963.4 (MANE Select); 2052 bases into the intron after coding-DNA position 4002, A replaced by C.
Molecular consequence: intron variant.
Genome position (GRCh38, 1-based): chr2:166,007,667, T>G on the plus strand (A>C on the coding strand, the complement: SCN1A is on the minus strand). VCF-style: chr2-166007667-T-G. GRCh37 (hg19) VCF-style: chr2-166864177-T-G.
Other names: c.3969+2052A>C (NM_001353949.2, NM_001353950.2, NM_001353951.2 and 2 more transcripts); c.3918+2052A>C (NM_001353958.2, NM_001353957.2, NM_001165964.3); c.4002+2052A>C (NM_001202435.3, NM_001353948.2); c.3966+2052A>C (NM_001353955.2, NM_001353954.2); c.3915+2052A>C (NM_001353960.2); c.1560+2052A>C (NM_001353961.2).
Identifiers: ClinVar variation 3682528 (VCV003682528.2).
Genomic context (GRCh38, chr2:166,007,667, plus strand): 5'-AACATGCAAAACACAAAGTGCAACGTGATGATAATTTATTTGTTACTTTCTAACTTCTTA[T>G]CAAGCACTGTACAACATGCTTTATTCAGTAATGTTGCATAAAAGCACATGCTTTGAAAAA-3'